The following is an entry in ClinVar:

NM_006231.4(POLE):c.3007dup (p.Tyr1003fs)

Gene: POLE (DNA polymerase epsilon, catalytic subunit; minus strand). Cytogenetic location: 12q24.33.
Variant type: Duplication.
Coding change: c.3007dup on transcript NM_006231.4 (MANE Select); coding-DNA position 3007, one base duplicated (T; older notation c.3007dupT).
Protein change: p.Tyr1003fs; shifts the reading frame from tyrosine 1003.
Molecular consequence: frameshift variant.
Genome position (GRCh38, 1-based): chr12:132,661,022, A duplicated on the plus strand (T on the coding strand, the reverse complement: POLE is on the minus strand). VCF-style (leftmost placement, unchanged base first): chr12-132661021-T-TA. GRCh37 (hg19) VCF-style: chr12-133237607-T-TA.
Other names: short protein forms Y1003fs.
Identifiers: ClinVar variation 3935714 (VCV003935714.1).

ClinVar aggregate classification (germline): Uncertain significance (1 of 4 stars; one submission).

Conditions:
Hereditary cancer-predisposing syndrome. Also called: Tumor predisposition; Hereditary neoplastic syndrome; Hereditary Cancer Syndrome; Neoplastic Syndromes, Hereditary. Identifiers: Orphanet 140162, MedGen C0027672, MeSH D009386, MONDO:0015356.

Submission:

Ambry Genetics
Classification: Uncertain significance for Hereditary cancer-predisposing syndrome. Last evaluated: 2025-05-01. Review status: criteria provided, single submitter. Criteria: Ambry Variant Classification Scheme 2023. Collection method: clinical testing. Allele origin: germline.
Comment: The c.3007dupT variant, located in coding exon 25 of the POLE gene, results from a duplication of T at nucleotide position 3007, causing a translational frameshift with a predicted alternate stop codon (p.Y1003Lfs*9). This alteration is expected to result in loss of function by premature protein truncation or nonsense-mediated mRNA decay. Although biallelic loss of function of POLE has been associated with autosomal recessive POLE deficiency, haploinsufficiency of POLE has not been established as a mechanism of disease for POLE-related polymerase proofreading-associated polyposis (PPAP) and POLE-related CMMRD-like syndrome. Based on the supporting evidence, this variant is expected to be causative of POLE deficiency when present along with a second pathogenic variant on the other allele; however, its clinical significance for PPAP and POLE-related CMMRD-like syndrome is unclear.